The following is an entry in ClinVar:

ClinVar aggregate classification (germline): Conflicting classifications of pathogenicity. Review status: criteria provided, conflicting classifications (1 of 4 stars). 7 submissions from 7 submitters: Uncertain significance (1); Likely benign (4). 2 of the submissions do not count toward it. Last evaluated 2026-01-14.

Conditions:
Hereditary breast ovarian cancer syndrome. Also called: Hereditary breast and ovarian cancer syndrome; Hereditary breast and ovarian cancer; Hereditary breast and ovarian cancer syndrome (HBOC); Breast and ovarian cancer; Hereditary breast and/or ovarian cancer syndrome; BRCA1- and BRCA2-Associated Hereditary Breast and Ovarian Cancer. Identifiers: Orphanet 145, MedGen C0677776, MeSH D061325, MONDO:0003582. Disease mechanism: loss of function.
BRCA2-related disorder. Also called: BRCA2-related condition; BRCA2-related disorders. Identifiers: MedGen CN239275.
Hereditary cancer-predisposing syndrome. Also called: Neoplastic Syndromes, Hereditary; Tumor predisposition; Hereditary neoplastic syndrome; Hereditary Cancer Syndrome. Identifiers: Orphanet 140162, MedGen C0027672, MeSH D009386, MONDO:0015356.
Breast-ovarian cancer, familial, susceptibility to, 2 (BROVCA2). Also called: BRCA2 Hereditary Breast and Ovarian Cancer. Identifiers: Orphanet 145, MedGen C2675520, MONDO:0012933, OMIM 612555. Disease mechanism: loss of function.

gnomAD v4.1: 3 of 1,614,192 alleles (0.00019%); no homozygotes.

Submissions (7):

Labcorp Genetics (formerly Invitae), Labcorp
Classification: Likely benign for Hereditary breast ovarian cancer syndrome. Last evaluated: 2026-01-14. Review status: criteria provided, single submitter. Criteria: Invitae Variant Classification Sherloc (09022015). Collection method: clinical testing. Allele origin: germline.

Quest Diagnostics Nichols Institute San Juan Capistrano
Classification: Uncertain significance. Last evaluated: 2025-02-12. Review status: criteria provided, single submitter. Criteria: Quest Diagnostics criteria. Collection method: clinical testing. Allele origin: unknown.
Comment: The BRCA2 c.9952A>C (p.Asn3318His) variant has been reported in the published literature in individuals undergoing genetic testing (PMID: 32720237 (2021), 31853058 (2020)) and an individual with an unspecified advanced cancer (PMID: 28873162 (2017)). This variant has not been reported in large, multi-ethnic general populations (Genome Aggregation Database). Analysis of this variant using bioinformatics tools for the prediction of the effect of amino acid changes on protein structure and function yielded conflicting predictions that this variant is benign or damaging. Based on the available information, we are unable to determine the clinical significance of this variant.

Ambry Genetics
Classification: Likely benign for Hereditary cancer-predisposing syndrome. Last evaluated: 2024-03-20. Review status: criteria provided, single submitter. Criteria: Ambry Variant Classification Scheme 2023. Collection method: clinical testing. Allele origin: germline.

GeneDx
Classification: Likely benign. Last evaluated: 2017-08-25. Review status: criteria provided, single submitter. Criteria: GeneDx Variant Classification (06012015). Collection method: clinical testing. Allele origin: germline. Affected: yes.
Comment: This variant is considered likely benign or benign based on one or more of the following criteria: it is a conservative change, it occurs at a poorly conserved position in the protein, it is predicted to be benign by multiple in silico algorithms, and/or has population frequency not consistent with disease.

Color Diagnostics, LLC DBA Color Health
Classification: Likely benign for Hereditary cancer-predisposing syndrome. Last evaluated: 2017-06-08. Review status: criteria provided, single submitter. Criteria: ACMG Guidelines, 2015. Collection method: clinical testing. Allele origin: germline.

Sharing Clinical Reports Project (SCRP)
Classification: Likely benign for Breast-ovarian cancer, familial 2. Last evaluated: 2012-12-11. Review status: no assertion criteria provided. Collection method: clinical testing. Allele origin: germline. Not counted in ClinVar's aggregate classification.

Breast Cancer Information Core (BIC) (BRCA2)
Classification: Uncertain significance for Breast-ovarian cancer, familial 2. Last evaluated: 2004-02-20. Review status: no assertion criteria provided. Collection method: clinical testing. Allele origin: germline. Affected: yes. Observed: 2 variant alleles. Not counted in ClinVar's aggregate classification.

Literature cited by the submitters: PubMed 28873162 (cited by Quest Diagnostics Nichols Institute San Juan Capistrano); PubMed 32720237 (cited by Quest Diagnostics Nichols Institute San Juan Capistrano); PubMed 31853058 (cited by Quest Diagnostics Nichols Institute San Juan Capistrano).

NM_000059.4(BRCA2):c.9952A>C (p.Asn3318His)

Gene: BRCA2 (BRCA2 DNA repair associated; plus strand). Cytogenetic location: 13q13.1.
Variant type: single nucleotide variant.
Coding change: c.9952A>C on transcript NM_000059.4 (MANE Select); coding-DNA position 9952, A replaced by C.
Protein change: p.Asn3318His; replaces asparagine 3318 with histidine.
Molecular consequence: missense variant.
Genome position (GRCh38, 1-based): chr13:32,398,465, A>C. VCF-style: chr13-32398465-A-C. GRCh37 (hg19) VCF-style: chr13-32972602-A-C.
Other names: 10180A>C; short protein forms N3318H.
Identifiers: ClinVar variation 52926 (VCV000052926.23), dbSNP rs80359256, ClinGen allele CA026346.